The following is an entry in ClinVar:

ClinVar aggregate classification (germline): Uncertain significance (1 of 4 stars; one submission).

gnomAD v4.1: 1 of 1,613,880 alleles (0.000062%); highest among the groups gnomAD compares: South Asian, 0.0011%; no homozygotes.

Submission:

Genetic Services Laboratory, University of Chicago
Classification: Uncertain significance. Last evaluated: 2023-08-04. Review status: criteria provided, single submitter. Criteria: ACMG Guidelines, 2015. Collection method: clinical testing. Allele origin: germline. Affected: no.
Comment: DNA sequence analysis of the FANCG gene demonstrated a sequence change in intron 8, c.1077-7T>G. This change does not appear to have been previously described in individuals with FANCG-related disorders and has also not been described in population databases such as ExAC and gnomAD. This sequence change is not predicted to have a deleterious effect on splicing based on in-silico splice prediction programs. It is possible that this sequence change represents a benign sequence change in the FANCG gene that has not been identified to date. The functional significance of this sequence change is not known at present.

NM_004629.2(FANCG):c.1077-7T>G

Gene: FANCG (FA complementation group G; minus strand). Cytogenetic location: 9p13.3.
Variant type: single nucleotide variant.
Coding change: c.1077-7T>G on transcript NM_004629.2 (MANE Select); 7 bases into the intron before coding-DNA position 1077, T replaced by G.
Molecular consequence: intron variant.
Genome position (GRCh38, 1-based): chr9:35,076,035, A>C on the plus strand (T>G on the coding strand, the complement: FANCG is on the minus strand). VCF-style: chr9-35076035-A-C. GRCh37 (hg19) VCF-style: chr9-35076032-A-C.
Identifiers: ClinVar variation 4082432 (VCV004082432.2).